The following is an entry in ClinVar:

NM_001034853.2(RPGR):c.1693C>G (p.Gln565Glu)

Gene: RPGR (retinitis pigmentosa GTPase regulator; minus strand). Cytogenetic location: Xp11.4.
Variant type: single nucleotide variant.
Coding change: c.1693C>G on transcript NM_001034853.2 (MANE Select); coding-DNA position 1693, C replaced by G.
Protein change: p.Gln565Glu; replaces glutamine 565 with glutamic acid.
Molecular consequence: missense variant. On other transcripts: non-coding transcript variant (1), intron variant (5).
Genome position (GRCh38, 1-based): chrX:38,287,921, G>C on the plus strand (C>G on the coding strand, the complement: RPGR is on the minus strand). VCF-style: chrX-38287921-G-C. GRCh37 (hg19) VCF-style: chrX-38147174-G-C.
Other names: c.1693C>G, p.Gln565Glu (NM_000328.3); c.1690C>G, p.Gln564Glu (NM_001367245.1); c.1507C>G, p.Gln503Glu (NM_001367246.1); c.1569+3038C>G (NM_001367249.1, NM_001367250.1); c.1386+3038C>G (NM_001367251.1); c.1572+3038C>G (NM_001367247.1); c.1602+3038C>G (NM_001367248.1); short protein forms Q564E, Q503E, Q565E.
Identifiers: ClinVar variation 2005738 (VCV002005738.4), dbSNP rs757501405, ClinGen allele CA10385424.

ClinVar aggregate classification (germline): Uncertain significance (1 of 4 stars; one submission).

Conditions:
Primary ciliary dyskinesia. Also called: Ciliary dyskinesia. Identifiers: Orphanet 244, MedGen C0008780, MONDO:0016575, HP:0012265.

Allele frequency attached by ClinVar (database versions not stated): ExAC 0.00001.

Submission:

Labcorp Genetics (formerly Invitae), Labcorp
Classification: Uncertain significance for Primary ciliary dyskinesia. Last evaluated: 2022-07-06. Review status: criteria provided, single submitter. Criteria: Invitae Variant Classification Sherloc (09022015). Collection method: clinical testing. Allele origin: germline.
Comment: This sequence change replaces glutamine, which is neutral and polar, with glutamic acid, which is acidic and polar, at codon 565 of the RPGR protein (p.Gln565Glu). This variant is present in population databases (rs757501405, gnomAD 0.001%). This variant has not been reported in the literature in individuals affected with RPGR-related conditions. Algorithms developed to predict the effect of missense changes on protein structure and function output the following: SIFT: "Deleterious"; PolyPhen-2: "Benign"; Align-GVGD: "Class C0". The glutamic acid amino acid residue is found in multiple mammalian species, which suggests that this missense change does not adversely affect protein function. In summary, the available evidence is currently insufficient to determine the role of this variant in disease. Therefore, it has been classified as a Variant of Uncertain Significance.